The following is an entry in ClinVar:

ClinVar aggregate classification (germline): Uncertain significance. Review status: criteria provided, multiple submitters, no conflicts (2 of 4 stars). 3 submissions from 3 submitters: Uncertain significance (3). Last evaluated 2026-06-04.

Conditions:
Cardiovascular phenotype. Identifiers: MedGen CN230736.
Distal myopathy with posterior leg and anterior hand involvement. Also called: WILLIAMS DISTAL MYOPATHY. Identifiers: Orphanet 63273, MedGen C3279722, MONDO:0013550, OMIM 614065.
Myofibrillar myopathy 5. Also called: Filaminopathy (type); FILAMINOPATHY, AUTOSOMAL DOMINANT. Identifiers: Orphanet 171445, MedGen C1836050, MONDO:0012289, OMIM 609524.
Hypertrophic cardiomyopathy 26. Also called: Cardiomyopathy, familial hypertrophic, 26. Identifiers: Orphanet 75249, MedGen C4310749, MONDO:0014883, OMIM 617047.

Allele frequency attached by ClinVar (database versions not stated): gnomAD exomes 0.00001.
gnomAD v4.1: 4 of 1,613,984 alleles (0.00025%); highest among the groups gnomAD compares: Non-Finnish European, 0.00034%; no homozygotes.

Submissions (3):

Ambry Genetics
Classification: Uncertain significance for Cardiovascular phenotype. Last evaluated: 2026-06-04. Review status: criteria provided, single submitter. Criteria: Ambry Variant Classification Scheme 2023. Collection method: clinical testing. Allele origin: germline.

GeneDx
Classification: Uncertain significance. Last evaluated: 2025-07-16. Review status: criteria provided, single submitter. Criteria: GeneDx Variant Classification Process June 2021. Collection method: clinical testing. Allele origin: germline. Affected: yes.
Comment: Not observed at significant frequency in large population cohorts (gnomAD); In silico analysis supports that this missense variant has a deleterious effect on protein structure/function; Has not been previously published as pathogenic or benign to our knowledge

Labcorp Genetics (formerly Invitae), Labcorp
Classification: Uncertain significance for Distal myopathy with posterior leg and anterior hand involvement; Myofibrillar myopathy 5; Hypertrophic cardiomyopathy 26. Last evaluated: 2024-10-01. Review status: criteria provided, single submitter. Criteria: Invitae Variant Classification Sherloc (09022015). Collection method: clinical testing. Allele origin: germline.
Comment: This sequence change replaces methionine, which is neutral and non-polar, with threonine, which is neutral and polar, at codon 844 of the FLNC protein (p.Met844Thr). This variant is not present in population databases (gnomAD no frequency). This variant has not been reported in the literature in individuals affected with FLNC-related conditions. Invitae Evidence Modeling of protein sequence and biophysical properties (such as structural, functional, and spatial information, amino acid conservation, physicochemical variation, residue mobility, and thermodynamic stability) has been performed for this missense variant. However, the output from this modeling did not meet the statistical confidence thresholds required to predict the impact of this variant on FLNC protein function. In summary, the available evidence is currently insufficient to determine the role of this variant in disease. Therefore, it has been classified as a Variant of Uncertain Significance.

NM_001458.5(FLNC):c.2531T>C (p.Met844Thr)

Gene: FLNC (filamin C; plus strand). Cytogenetic location: 7q32.1.
Variant type: single nucleotide variant.
Coding change: c.2531T>C on transcript NM_001458.5 (MANE Select); coding-DNA position 2531, T replaced by C.
Protein change: p.Met844Thr; replaces methionine 844 with threonine.
Molecular consequence: missense variant.
Genome position (GRCh38, 1-based): chr7:128,842,935, T>C. VCF-style: chr7-128842935-T-C. GRCh37 (hg19) VCF-style: chr7-128482989-T-C.
Other names: c.2531T>C, p.Met844Thr (NM_001127487.2); short protein forms M844T.
Identifiers: ClinVar variation 2925158 (VCV002925158.5), dbSNP rs1808401890, ClinGen allele CA369191982.